The following is an entry in ClinVar:

NM_000628.5(IL10RB):c.735G>T (p.Leu245=)

Genes: IFNAR2-IL10RB (IFNAR2-IL10RB readthrough; plus strand), IL10RB (interleukin 10 receptor subunit beta; plus strand). Cytogenetic location: 21q22.11.
Variant type: single nucleotide variant.
Coding change: c.735G>T on transcript NM_000628.5 (MANE Select); coding-DNA position 735, G replaced by T.
Protein change: p.Leu245=; no amino-acid change (leucine 245 retained).
Molecular consequence: synonymous variant. On other transcripts: non-coding transcript variant (1), intron variant (1).
Genome position (GRCh38, 1-based): chr21:33,288,192, G>T. VCF-style: chr21-33288192-G-T. GRCh37 (hg19) VCF-style: chr21-34660497-G-T.
Other names: p.Leu245=; c.1395G>T, p.Leu465= (NM_001414505.1); c.735G>T, p.Leu245= (NM_001405849.1, NM_001405850.1); c.646+4951G>T (NM_001406840.1).
Identifiers: ClinVar variation 4684432 (VCV004684432.1).

ClinVar aggregate classification (germline): Likely benign (1 of 4 stars; one submission).

Submission:

Mayo Clinic Laboratories, Mayo Clinic
Classification: Likely benign. Last evaluated: 2025-04-25. Review status: criteria provided, single submitter. Criteria: ACMG Guidelines, 2015. Collection method: clinical testing. Allele origin: germline. Observed: 1 variant allele.
Comment: BP4, BP7, PM2_supporting